The following is an entry in ClinVar:

NM_002016.2(FLG):c.2225C>A (p.Ser742Tyr)

Genes: CCDST (cervical cancer associated DHX9 suppressive transcript; plus strand), FLG (filaggrin; minus strand). Cytogenetic location: 1q21.3.
Variant type: single nucleotide variant.
Coding change: c.2225C>A on transcript NM_002016.2 (MANE Select); coding-DNA position 2225, C replaced by A.
Protein change: p.Ser742Tyr; replaces serine 742 with tyrosine.
Molecular consequence: missense variant.
Genome position (GRCh38, 1-based): chr1:152,312,661, G>T on the plus strand (C>A on the coding strand, the complement: FLG is on the minus strand). VCF-style: chr1-152312661-G-T. GRCh37 (hg19) VCF-style: chr1-152285137-G-T.
Other names: short protein forms S742Y.
Identifiers: ClinVar variation 3055388 (VCV003055388.2), dbSNP rs3120654, ClinGen allele CA1107274.

ClinVar aggregate classification (germline): Benign (0 of 4 stars; one submission).

Conditions:
FLG-related disorder. Also called: FLG-related disorders; FLG-related condition.

Allele frequency attached by ClinVar (database versions not stated): ExAC 0.03416; gnomAD 0.10186; TOPMed 0.11186; ESP Exome Variant Server 0.11487; 1000 Genomes Project 0.12101; 1000 Genomes Project 30x 0.12914.
gnomAD v4.1: 31,385 of 1,613,676 alleles (1.9%); highest among the groups gnomAD compares: African/African-American, 35%; 4,884 homozygotes.

Submission:

PreventionGenetics, part of Exact Sciences
Classification: Benign for FLG-related condition. Last evaluated: 2023-04-13. Review status: no assertion criteria provided. Collection method: clinical testing. Allele origin: germline.
Comment: This variant is classified as benign based on ACMG/AMP sequence variant interpretation guidelines (Richards et al. 2015 PMID: 25741868, with internal and published modifications).